The following is an entry in ClinVar:

ClinVar aggregate classification (germline): Likely benign. Review status: criteria provided, multiple submitters, no conflicts (2 of 4 stars). 3 submissions from 3 submitters: Likely benign (3). Last evaluated 2025-09-22.

Allele frequency attached by ClinVar (database versions not stated): ExAC 0.00007; gnomAD exomes 0.00010 and 0.00020; TOPMed 0.00014; 1000 Genomes Project 30x 0.00016; gnomAD 0.00016 and 0.00017; 1000 Genomes Project 0.00020; ESP Exome Variant Server 0.00031.
gnomAD v4.1: 314 of 1,614,176 alleles (0.019%); highest among the groups gnomAD compares: Non-Finnish European, 0.026%; no homozygotes.

Submissions (3):

Labcorp Genetics (formerly Invitae), Labcorp
Classification: Likely benign. Last evaluated: 2025-09-22. Review status: criteria provided, single submitter. Criteria: Invitae Variant Classification Sherloc (09022015). Collection method: clinical testing. Allele origin: germline.

CeGaT Center for Human Genetics Tuebingen
Classification: Likely benign. Last evaluated: 2024-09-01. Review status: criteria provided, single submitter. Criteria: CeGaT Center For Human Genetics Tuebingen Variant Classification Criteria Version 2. Collection method: clinical testing. Allele origin: germline. Affected: yes. Observed: 1 variant allele.
Comment: CDC45: BP4, BP7

Blueprint Genetics
Classification: Likely benign. Last evaluated: 2024-03-25. Review status: criteria provided, single submitter. Criteria: ACMG Guidelines, 2015. Collection method: clinical testing. Allele origin: germline.

NM_003504.5(CDC45):c.894C>T (p.Ala298=)

Gene: CDC45 (cell division cycle 45; plus strand). Cytogenetic location: 22q11.21.
Variant type: single nucleotide variant.
Coding change: c.894C>T on transcript NM_003504.5 (MANE Select); coding-DNA position 894, C replaced by T.
Protein change: p.Ala298=; no amino-acid change (alanine 298 retained).
Molecular consequence: synonymous variant. On other transcripts: non-coding transcript variant (1).
Genome position (GRCh38, 1-based): chr22:19,507,455, C>T. VCF-style: chr22-19507455-C-T. GRCh37 (hg19) VCF-style: chr22-19494978-C-T.
Other names: c.990C>T, p.Ala330= (NM_001178010.2); c.756C>T, p.Ala252= (NM_001178011.2); c.858C>T, p.Ala286= (NM_001369291.1).
Identifiers: ClinVar variation 1594311 (VCV001594311.23), dbSNP rs141196987, ClinGen allele CA10101273.
Genomic context (GRCh38, chr22:19,507,455, plus strand): 5'-GGTGCTCTACCAGCACTGGTCCCTCCATGACAGCCTGTGCAACACCAGCTATACCGCAGC[C>T]AGGTTCAAGCTGTGGTCTGTGCATGGACAGAAGCGGCTCCAGGAGTTCCTTGCAGACATG-3'
Protein context (NP_003495.1, residues 288-308): DSLCNTSYTA[Ala298=]RFKLWSVHGQ